The following is an entry in ClinVar:

NM_201384.3(PLEC):c.2076G>A (p.Thr692=)

Gene: PLEC (plectin; minus strand). Cytogenetic location: 8q24.3.
Variant type: single nucleotide variant.
Coding change: c.2076G>A on transcript NM_201384.3 (MANE Select); coding-DNA position 2076, G replaced by A.
Protein change: p.Thr692=; no amino-acid change (threonine 692 retained).
Molecular consequence: synonymous variant.
Genome position (GRCh38, 1-based): chr8:143,932,136, C>T on the plus strand (G>A on the coding strand, the complement: PLEC is on the minus strand). VCF-style: chr8-143932136-C-T. GRCh37 (hg19) VCF-style: chr8-145006304-C-T.
Other names: c.2157G>A, p.Thr719= (NM_000445.5); c.2034G>A, p.Thr678= (NM_201378.4); c.2010G>A, p.Thr670= (NM_201379.3); c.2487G>A, p.Thr829= (NM_201380.4); c.1980G>A, p.Thr660= (NM_201381.3); c.2076G>A, p.Thr692= (NM_201382.4); c.2088G>A, p.Thr696= (NM_201383.3).
Identifiers: ClinVar variation 654739 (VCV000654739.7), dbSNP rs782009051, ClinGen allele CA4927712.

ClinVar aggregate classification (germline): Likely benign. Review status: criteria provided, multiple submitters, no conflicts (2 of 4 stars). 2 submissions from 2 submitters: Likely benign (2). Last evaluated 2026-09-21.

Conditions:
PLEC-related disorder. Also called: PLEC-related condition; PLEC-related disorders.
Autosomal recessive limb-girdle muscular dystrophy type 2Q (LGMDR17). Also called: MUSCULAR DYSTROPHY, LIMB-GIRDLE, AUTOSOMAL RECESSIVE 17. Identifiers: Orphanet 254361, MedGen C3150989, MONDO:0013390, OMIM 613723.
Epidermolysis bullosa simplex 5B, with muscular dystrophy (EBS5B). Also called: EPIDERMOLYSIS BULLOSA SIMPLEX AND LIMB-GIRDLE MUSCULAR DYSTROPHY; Epidermolysis bullosa simplex with muscular dystrophy. Identifiers: Orphanet 257, MedGen C2931072, MONDO:0009181, OMIM 226670.
Epidermolysis bullosa simplex with nail dystrophy (EBS5D). Identifiers: MedGen C4225309, MONDO:0014661, OMIM 616487.
Epidermolysis bullosa simplex 5C, with pyloric atresia (EBS5C). Also called: PLEC-Related Epidermolysis Bullosa with Pyloric Atresia; Epidermolysis bullosa simplex with pyloric atresia; PLEC1-Related Epidermolysis Bullosa with Pyloric Atresia. Identifiers: Orphanet 158684, MedGen C2677349, MONDO:0012807, OMIM 612138.
Epidermolysis bullosa simplex, Ogna type (EBS5A). Also called: EPIDERMOLYSIS BULLOSA SIMPLEX 5A, OGNA TYPE; Pidermolysis bullosa simplex 5A, Ogna type. Identifiers: Orphanet 79401, MedGen C0432317, MONDO:0007555, OMIM 131950.

Allele frequency attached by ClinVar (database versions not stated): gnomAD exomes 0.00001 and 0.00002; ExAC 0.00002; gnomAD 0.00002 and 0.00003; TOPMed 0.00003.
gnomAD v4.1: 27 of 1,610,670 alleles (0.0017%); highest among the groups gnomAD compares: South Asian, 0.0088%; no homozygotes.

Submissions (2):

PreventionGenetics, part of Exact Sciences
Classification: Likely benign for PLEC-related condition. Last evaluated: 2026-09-21. Review status: criteria provided, single submitter. Criteria: ACMG Guidelines, 2015. Collection method: clinical testing. Allele origin: germline.
Comment: This variant is classified as likely benign based on ACMG/AMP sequence variant interpretation guidelines (Richards et al. 2015 PMID: 25741868, with internal and published modifications).

Labcorp Genetics (formerly Invitae), Labcorp
Classification: Likely benign for Autosomal recessive limb-girdle muscular dystrophy type 2Q; Epidermolysis bullosa simplex, Ogna type; Epidermolysis bullosa simplex with nail dystrophy; Epidermolysis bullosa simplex 5C, with pyloric atresia; Epidermolysis bullosa simplex 5B, with muscular dystrophy. Last evaluated: 2025-12-29. Review status: criteria provided, single submitter. Criteria: Invitae Variant Classification Sherloc (09022015). Collection method: clinical testing. Allele origin: germline.